The following is an entry in ClinVar:

ClinVar aggregate classification (germline): Uncertain significance (1 of 4 stars; one submission).

gnomAD v4.1: 4 of 1,613,990 alleles (0.00025%); highest among the groups gnomAD compares: African/African-American, 0.0013%; no homozygotes.

Submission:

Labcorp Genetics (formerly Invitae), Labcorp
Classification: Uncertain significance. Last evaluated: 2025-09-23. Review status: criteria provided, single submitter. Criteria: Invitae Variant Classification Sherloc (09022015). Collection method: clinical testing. Allele origin: germline.
Comment: This sequence change replaces aspartic acid, which is acidic and polar, with tyrosine, which is neutral and polar, at codon 96 of the ARHGEF10 protein (p.Asp96Tyr). This variant is not present in population databases (gnomAD no frequency). This variant has not been reported in the literature in individuals affected with ARHGEF10-related conditions. An algorithm developed to predict the effect of missense changes on protein structure and function (PolyPhen-2) suggests that this variant is likely to be disruptive. In summary, the available evidence is currently insufficient to determine the role of this variant in disease. Therefore, it has been classified as a Variant of Uncertain Significance.

NM_014629.4(ARHGEF10):c.286G>T (p.Asp96Tyr)

Gene: ARHGEF10 (Rho guanine nucleotide exchange factor 10; plus strand). Cytogenetic location: 8p23.3.
Variant type: single nucleotide variant.
Coding change: c.286G>T on transcript NM_014629.4 (MANE Select); coding-DNA position 286, G replaced by T.
Protein change: p.Asp96Tyr; replaces aspartic acid 96 with tyrosine.
Molecular consequence: missense variant.
Genome position (GRCh38, 1-based): chr8:1,859,989, G>T. VCF-style: chr8-1859989-G-T. GRCh37 (hg19) VCF-style: chr8-1808155-G-T.
Other names: c.286G>T, p.Asp96Tyr (NM_001308152.2, NM_001308153.3, NM_001438091.1 and 3 more transcripts); short protein forms D120Y, D96Y.
Identifiers: ClinVar variation 4760651 (VCV004760651.1).
Genomic context (GRCh38, chr8:1,859,989, plus strand): 5'-CCAGTGGCAGAGCCTACTAAGCTGGTGCTCCCGATGAAAGTCAACCCATATTCTGTCATC[G>T]ACATCACGCCATTCCAGGAGGACCAGCCGCCCACCCCCGTGCCCAGCGCTGAGGAGGAGA-3'
Protein context (NP_055444.2, residues 86-106): PMKVNPYSVI[Asp96Tyr]ITPFQEDQPP